The following is an entry in ClinVar:

ClinVar aggregate classification (germline): Uncertain significance (1 of 4 stars; one submission).

Allele frequency attached by ClinVar (database versions not stated): ExAC 0.00001; gnomAD 0.00001; gnomAD exomes 0.00001; TOPMed 0.00001.
gnomAD v4.1: 19 of 1,614,090 alleles (0.0012%); highest among the groups gnomAD compares: Middle Eastern, 0.033%; no homozygotes.

Submission:

Labcorp Genetics (formerly Invitae), Labcorp
Classification: Uncertain significance. Last evaluated: 2022-09-07. Review status: criteria provided, single submitter. Criteria: Invitae Variant Classification Sherloc (09022015). Collection method: clinical testing. Allele origin: germline.
Comment: In summary, the available evidence is currently insufficient to determine the role of this variant in disease. Therefore, it has been classified as a Variant of Uncertain Significance. Algorithms developed to predict the effect of missense changes on protein structure and function are either unavailable or do not agree on the potential impact of this missense change (SIFT: "Tolerated"; PolyPhen-2: "Possibly Damaging"; Align-GVGD: "Class C0"). This variant has not been reported in the literature in individuals affected with RNF168-related conditions. This variant is present in population databases (rs758572139, gnomAD 0.0009%). This sequence change replaces tyrosine, which is neutral and polar, with cysteine, which is neutral and slightly polar, at codon 145 of the RNF168 protein (p.Tyr145Cys).

NM_152617.4(RNF168):c.434A>G (p.Tyr145Cys)

Gene: RNF168 (ring finger protein 168; minus strand). Cytogenetic location: 3q29.
Variant type: single nucleotide variant.
Coding change: c.434A>G on transcript NM_152617.4 (MANE Select); coding-DNA position 434, A replaced by G.
Protein change: p.Tyr145Cys; replaces tyrosine 145 with cysteine.
Molecular consequence: missense variant.
Genome position (GRCh38, 1-based): chr3:196,487,523, T>C on the plus strand (A>G on the coding strand, the complement: RNF168 is on the minus strand). VCF-style: chr3-196487523-T-C. GRCh37 (hg19) VCF-style: chr3-196214394-T-C.
Other names: short protein forms Y145C.
Identifiers: ClinVar variation 1936514 (VCV001936514.5), dbSNP rs758572139, ClinGen allele CA2780936.
Genomic context (GRCh38, chr3:196,487,523, plus strand): 5'-CGCCTTTTTTCTGCCTGTCTTTTTTCCTCTTCTTCCTCCTCTGCCAACAACCTCTGTATG[T>C]ATTCTTCACTGGCTTTGTTTTCTTCTTCCTCGCTGGCCCGTCGCTCTGCCGCCACCTTAA-3'
Protein context (NP_689830.2, residues 135-155): EEEENKASEE[Tyr145Cys]IQRLLAEEEE